The following is an entry in ClinVar:

NM_020655.4(JPH3):c.426C>T (p.Tyr142=)

Gene: JPH3 (junctophilin 3; plus strand). Cytogenetic location: 16q24.2.
Variant type: single nucleotide variant.
Coding change: c.426C>T on transcript NM_020655.4 (MANE Select); coding-DNA position 426, C replaced by T.
Protein change: p.Tyr142=; no amino-acid change (tyrosine 142 retained).
Molecular consequence: synonymous variant. On other transcripts: non-coding transcript variant (1).
Genome position (GRCh38, 1-based): chr16:87,644,301, C>T. VCF-style: chr16-87644301-C-T. GRCh37 (hg19) VCF-style: chr16-87677907-C-T.
Identifiers: ClinVar variation 3035045 (VCV003035045.2), dbSNP rs374849409, ClinGen allele CA8220690.
Genomic context (GRCh38, chr16:87,644,301, plus strand): 5'-TCTCATTTTCTCCCCAGGGACCTACCAGGGCCAGTGGGTCGGTGGCATGCGCCAGGGCTA[C>T]GGCGTCCGGCAGAGCGTCCCGTATGGCATGGCCGCGGTCATCCGCTCACCCCTGAGGACG-3'
Protein context (NP_065706.2, residues 132-152): GQWVGGMRQG[Tyr142=]GVRQSVPYGM

ClinVar aggregate classification (germline): Likely benign (0 of 4 stars; one submission).

Conditions:
JPH3-related disorder. Also called: JPH3-related condition.

Allele frequency attached by ClinVar (database versions not stated): gnomAD 0.00004; TOPMed 0.00005; gnomAD exomes 0.00006; ExAC 0.00009; 1000 Genomes Project 30x 0.00016; 1000 Genomes Project 0.00020.
gnomAD v4.1: 126 of 1,612,384 alleles (0.0078%); highest among the groups gnomAD compares: East Asian, 0.031%; no homozygotes.

Submission:

PreventionGenetics, part of Exact Sciences
Classification: Likely benign for JPH3-related condition. Last evaluated: 2023-01-10. Review status: no assertion criteria provided. Collection method: clinical testing. Allele origin: germline.
Comment: This variant is classified as likely benign based on ACMG/AMP sequence variant interpretation guidelines (Richards et al. 2015 PMID: 25741868, with internal and published modifications).